The following is an entry in ClinVar:

ClinVar aggregate classification (germline): Uncertain significance. Review status: criteria provided, multiple submitters, no conflicts (2 of 4 stars). 2 submissions from 2 submitters: Uncertain significance (2). Last evaluated 2026-10-17.

Conditions:
Congenital myasthenic syndrome 20. Also called: Myasthenic syndrome, congenital, 20, presynaptic. Identifiers: MedGen C4310694, MONDO:0014939, OMIM 617143.
Neuronopathy, distal hereditary motor, type 7A. Also called: Neuronopathy, distal hereditary motor, autosomal dominant 7; Neuronopathy, distal hereditary motor, type viia; HARPER-YOUNG MYOPATHY; HMN VIIA; SPINAL MUSCULAR ATROPHY, DISTAL, WITH VOCAL CORD PARALYSIS; NEURONOPATHY, DISTAL HEREDITARY MOTOR, HARDING TYPE VIIA. Identifiers: Orphanet 139589, MedGen C1834703, MONDO:0008024, OMIM 158580.

Allele frequency attached by ClinVar (database versions not stated): gnomAD exomes below 0.00001; gnomAD 0.00001; TOPMed 0.00002; ESP Exome Variant Server 0.00008.
gnomAD v4.1: 5 of 1,613,324 alleles (0.00031%); highest among the groups gnomAD compares: Non-Finnish European, 0.00042%; no homozygotes.

Submissions (2):

GeneDx
Classification: Uncertain significance. Last evaluated: 2026-10-17. Review status: criteria provided, single submitter. Criteria: GeneDx Variant Classification Process June 2021. Collection method: clinical testing. Allele origin: germline.
Comment: In silico analysis supports that this missense variant has a deleterious effect on protein structure/function; Has not been previously published as pathogenic or benign to our knowledge

Labcorp Genetics (formerly Invitae), Labcorp
Classification: Uncertain significance for Neuronopathy, distal hereditary motor, type 7A; Congenital myasthenic syndrome 20. Last evaluated: 2021-06-30. Review status: criteria provided, single submitter. Criteria: Invitae Variant Classification Sherloc (09022015). Collection method: clinical testing. Allele origin: germline.
Comment: This sequence change replaces alanine with threonine at codon 343 of the SLC5A7 protein (p.Ala343Thr). The alanine residue is highly conserved and there is a small physicochemical difference between alanine and threonine. This variant is not present in population databases (ExAC no frequency). This variant has not been reported in the literature in individuals affected with SLC5A7-related conditions. Algorithms developed to predict the effect of missense changes on protein structure and function (SIFT, PolyPhen-2, Align-GVGD) all suggest that this variant is likely to be disruptive. In summary, the available evidence is currently insufficient to determine the role of this variant in disease. Therefore, it has been classified as a Variant of Uncertain Significance.

NM_021815.5(SLC5A7):c.1027G>A (p.Ala343Thr)

Gene: SLC5A7 (solute carrier family 5 member 7; plus strand). Cytogenetic location: 2q12.3.
Variant type: single nucleotide variant.
Coding change: c.1027G>A on transcript NM_021815.5 (MANE Select); coding-DNA position 1027, G replaced by A.
Protein change: p.Ala343Thr; replaces alanine 343 with threonine.
Molecular consequence: missense variant.
Genome position (GRCh38, 1-based): chr2:108,008,596, G>A. VCF-style: chr2-108008596-G-A. GRCh37 (hg19) VCF-style: chr2-108625052-G-A.
Other names: c.1027G>A (NM_021815.2); c.1027G>A, p.Ala343Thr (NM_001305005.3); c.712G>A, p.Ala238Thr (NM_001305006.3); c.286G>A, p.Ala96Thr (NM_001305007.3); short protein forms A96T, A238T, A343T.
Identifiers: ClinVar variation 1398659 (VCV001398659.10), dbSNP rs140481686, ClinGen allele CA53969100.